The following is an entry in ClinVar:

ClinVar aggregate classification (germline): Pathogenic (1 of 4 stars; one submission).

Submission:

ARUP Laboratories, Molecular Genetics and Genomics, ARUP Laboratories
Classification: Pathogenic. Last evaluated: 2018-02-09. Review status: criteria provided, single submitter. Criteria: ARUP Molecular Germline Variant Investigation Process. Collection method: clinical testing. Allele origin: germline.
Comment: The p.Asp448fs variant has not been reported in the medical literature, gene specific variation databases, nor has it been previously identified by our laboratory. It is absent from general population databases such as 1000 Genomes, NHLBI GO Exome Sequencing Project (ESP), and the Genome Aggregation Database (gnomAD). The c.1342delG variant creates a frameshift in the BMPR2 protein at codon 448 in exon 10 of 13 exons which results in a premature termination codon and is predicted to result in a truncated or absent protein product. Truncations and other loss of function variants of BMPR2 have previously been associated with familial primary pulmonary hypertension (Machado 2015). Based on the available evidence, this variant has been classified as pathogenic.

NM_001204.7(BMPR2):c.1342del (p.Asp448fs)

Gene: BMPR2 (bone morphogenetic protein receptor type 2; plus strand). Cytogenetic location: 2q33.2.
Variant type: Deletion.
Coding change: c.1342del on transcript NM_001204.7 (MANE Select); coding-DNA position 1342, one base deleted (G; older notation c.1342delG).
Protein change: p.Asp448fs; shifts the reading frame from aspartic acid 448.
Molecular consequence: frameshift variant.
Genome position (GRCh38, 1-based): chr2:202,542,376, G deleted; the last of 2 consecutive G bases (chr2:202,542,375-202,542,376); deleting either gives the same sequence. VCF-style (leftmost placement, unchanged base first): chr2-202542374-AG-A. GRCh37 (hg19) VCF-style: chr2-203407097-AG-A.
Other names: c.1342del (LRG_712t1); short protein forms D448fs.
Identifiers: ClinVar variation 617994 (VCV000617994.8), dbSNP rs1559070248, ClinGen allele CA913189655.